The following is an entry in ClinVar:

ClinVar aggregate classification (germline): Likely benign. Review status: criteria provided, multiple submitters, no conflicts (2 of 4 stars). 2 submissions from 2 submitters: Likely benign (2). Last evaluated 2025-12-01.

Allele frequency attached by ClinVar (database versions not stated): TOPMed 0.00026; ESP Exome Variant Server 0.00042.
gnomAD v4.1: 388 of 1,613,990 alleles (0.024%); highest among the groups gnomAD compares: Non-Finnish European, 0.028%; 1 homozygote.

Submissions (2):

CeGaT Center for Human Genetics Tuebingen
Classification: Likely benign. Last evaluated: 2025-12-01. Review status: criteria provided, single submitter. Criteria: CeGaT Center For Human Genetics Tuebingen Variant Classification Criteria Version 2. Collection method: clinical testing. Allele origin: germline. Affected: yes. Observed: 3 variant alleles.
Comment: SNRPN: BP4, BP7

Labcorp Genetics (formerly Invitae), Labcorp
Classification: Likely benign. Last evaluated: 2018-02-16. Review status: criteria provided, single submitter. Criteria: Invitae Variant Classification Sherloc (09022015). Collection method: clinical testing. Allele origin: germline.

NM_003097.6(SNRPN):c.624T>G (p.Ala208=)

Genes: SNHG14 (small nucleolar RNA host gene 14; plus strand), SNRPN (small nuclear ribonucleoprotein polypeptide N; plus strand), SNURF (SNRPN upstream open reading frame; plus strand). Cytogenetic location: 15q11.2.
Variant type: single nucleotide variant.
Coding change: c.624T>G on transcript NM_003097.6 (MANE Select); coding-DNA position 624, T replaced by G.
Protein change: p.Ala208=; no amino-acid change (alanine 208 retained).
Molecular consequence: synonymous variant. On other transcripts: 3 prime UTR variant (1), non-coding transcript variant (1).
Genome position (GRCh38, 1-based): chr15:24,978,257, T>G. VCF-style: chr15-24978257-T-G. GRCh37 (hg19) VCF-style: chr15-25223404-T-G.
Other names: c.624T>G, p.Ala208= (NM_001400638.1, NM_001400639.1, NM_001400640.1 and 99 more transcripts); c.600T>G, p.Ala200= (NM_001400767.1, NM_001378256.1, NM_001378257.1); c.360T>G, p.Ala120= (NM_001400768.1); c.*812T>G (NM_005678.5); c.636T>G, p.Ala212= (NM_001378251.1, NM_001378252.1, NM_001378253.1 and 2 more transcripts).
Identifiers: ClinVar variation 723490 (VCV000723490.36), dbSNP rs200487846, ClinGen allele CA7431443.
Genomic context (GRCh38, chr15:24,978,257, plus strand): 5'-TATGGCTCCTCCACCTGGTATGAGACCACCCATGGGCCCACCAATTGGGCTTCCCCCTGC[T>G]CGAGGGACGCCAATAGGCATGCCGCCTCCGGGAATGAGACCCCCTCCACCAGGCATTAGA-3'
Protein context (NP_003088.1, residues 198-218): PMGPPIGLPP[Ala208=]RGTPIGMPPP